The following is an entry in ClinVar:

ClinVar aggregate classification (germline): Uncertain significance (1 of 4 stars; one submission).

gnomAD v4.1: 3 of 1,611,326 alleles (0.00019%); highest among the groups gnomAD compares: Non-Finnish European, 0.00025%; no homozygotes.

Submission:

GeneDx
Classification: Uncertain significance. Last evaluated: 2024-03-10. Review status: criteria provided, single submitter. Criteria: GeneDx Variant Classification Process June 2021. Collection method: clinical testing. Allele origin: germline. Affected: yes.
Comment: Not observed at significant frequency in large population cohorts (gnomAD); In silico analysis supports that this missense variant has a deleterious effect on protein structure/function; Has not been previously published as pathogenic or benign to our knowledge

NM_018082.6(POLR3B):c.377T>A (p.Ile126Asn)

Gene: POLR3B (RNA polymerase III subunit B; plus strand). Cytogenetic location: 12q23.3.
Variant type: single nucleotide variant.
Coding change: c.377T>A on transcript NM_018082.6 (MANE Select); coding-DNA position 377, T replaced by A.
Protein change: p.Ile126Asn; replaces isoleucine 126 with asparagine.
Molecular consequence: missense variant.
Genome position (GRCh38, 1-based): chr12:106,369,656, T>A. VCF-style: chr12-106369656-T-A. GRCh37 (hg19) VCF-style: chr12-106763434-T-A.
Other names: c.203T>A, p.Ile68Asn (NM_001160708.2); short protein forms I126N, I68N.
Identifiers: ClinVar variation 3370560 (VCV003370560.1).